The following is an entry in ClinVar:

ClinVar aggregate classification (germline): Uncertain significance (1 of 4 stars; one submission).

Conditions:
Neurofibromatosis, type 1 (NF1). Also called: Peripheral type neurofibromatosis; Neurofibromatosis, type I; NEUROFIBROMATOSIS, TYPE I, SOMATIC; VON RECKLINGHAUSEN DISEASE. Identifiers: Orphanet 636, MedGen C0027831, MONDO:0018975, OMIM 162200. Disease mechanism: loss of function.

Submission:

Labcorp Genetics (formerly Invitae), Labcorp
Classification: Uncertain significance for Neurofibromatosis, type 1. Last evaluated: 2026-01-06. Review status: criteria provided, single submitter. Criteria: Invitae Variant Classification Sherloc (09022015). Collection method: clinical testing. Allele origin: germline.
Comment: This sequence change replaces isoleucine, which is neutral and non-polar, with valine, which is neutral and non-polar, at codon 2275 of the NF1 protein (p.Ile2275Val). This variant is not present in population databases (gnomAD no frequency). This variant has not been reported in the literature in individuals affected with NF1-related conditions. Invitae Evidence Modeling of protein sequence and biophysical properties (such as structural, functional, and spatial information, amino acid conservation, physicochemical variation, residue mobility, and thermodynamic stability) indicates that this missense variant is not expected to disrupt NF1 protein function with a negative predictive value of 95%. In summary, the available evidence is currently insufficient to determine the role of this variant in disease. Therefore, it has been classified as a Variant of Uncertain Significance.

NM_001042492.3(NF1):c.6886A>G (p.Ile2296Val)

Gene: NF1 (neurofibromin 1; plus strand). Cytogenetic location: 17q11.2.
Variant type: single nucleotide variant.
Coding change: c.6886A>G on transcript NM_001042492.3 (MANE Select); coding-DNA position 6886, A replaced by G.
Protein change: p.Ile2296Val; replaces isoleucine 2296 with valine.
Molecular consequence: missense variant.
Genome position (GRCh38, 1-based): chr17:31,338,770, A>G. VCF-style: chr17-31338770-A-G. GRCh37 (hg19) VCF-style: chr17-29665788-A-G.
Other names: c.6823A>G, p.Ile2275Val (NM_000267.4); short protein forms I2275V, I2296V.
Identifiers: ClinVar variation 4809915 (VCV004809915.1).
Genomic context (GRCh38, chr17:31,338,770, plus strand): 5'-GAGAGTTGCTTAAAAGGACCTGACACTTACAACAGTCAAGTTCTGATAGAAGCTACAGTA[A>G]TAGCACTAACCAAATTACAGCCACTTCTTAATAAGGTAATTACTGTATAGAAAATGAGTG-3'
Protein context (NP_001035957.1, residues 2286-2306): NSQVLIEATV[Ile2296Val]ALTKLQPLLN